The following is an entry in ClinVar:

NM_003619.4(PRSS12):c.1440T>C (p.Asp480=)

Gene: PRSS12 (serine protease 12; minus strand). Cytogenetic location: 4q26.
Variant type: single nucleotide variant.
Coding change: c.1440T>C on transcript NM_003619.4 (MANE Select); coding-DNA position 1440, T replaced by C.
Protein change: p.Asp480=; no amino-acid change (aspartic acid 480 retained).
Molecular consequence: synonymous variant.
Genome position (GRCh38, 1-based): chr4:118,313,250, A>G on the plus strand (T>C on the coding strand, the complement: PRSS12 is on the minus strand). VCF-style: chr4-118313250-A-G. GRCh37 (hg19) VCF-style: chr4-119234405-A-G.
Other names: c.1440T>C, p.Asp480= (NM_001440549.1, NM_001440550.1, NM_001440551.1).
Identifiers: ClinVar variation 4823016 (VCV004823016.4).

ClinVar aggregate classification (germline): Likely benign (1 of 4 stars; one submission).

gnomAD v4.1: 3 of 1,614,084 alleles (0.00019%); highest among the groups gnomAD compares: Admixed American, 0.0033%; no homozygotes.

Submission:

CeGaT Center for Human Genetics Tuebingen
Classification: Likely benign. Last evaluated: 2026-01-01. Review status: criteria provided, single submitter. Criteria: CeGaT Center For Human Genetics Tuebingen Variant Classification Criteria Version 2. Collection method: clinical testing. Allele origin: germline. Affected: yes. Observed: 1 variant allele.
Comment: PRSS12: BP4, BP7